The following is an entry in ClinVar:

NM_004525.3(LRP2):c.6041A>G (p.Asn2014Ser)

Gene: LRP2 (LDL receptor related protein 2; minus strand). Cytogenetic location: 2q31.1.
Variant type: single nucleotide variant.
Coding change: c.6041A>G on transcript NM_004525.3 (MANE Select); coding-DNA position 6041, A replaced by G.
Protein change: p.Asn2014Ser; replaces asparagine 2014 with serine.
Molecular consequence: missense variant.
Genome position (GRCh38, 1-based): chr2:169,212,207, T>C on the plus strand (A>G on the coding strand, the complement: LRP2 is on the minus strand). VCF-style: chr2-169212207-T-C. GRCh37 (hg19) VCF-style: chr2-170068717-T-C.
Other names: short protein forms N2014S.
Identifiers: ClinVar variation 1921397 (VCV001921397.5), dbSNP rs1184139425, ClinGen allele CA349132515.

ClinVar aggregate classification (germline): Uncertain significance (1 of 4 stars; one submission).

Allele frequency attached by ClinVar (database versions not stated): gnomAD exomes below 0.00001.
gnomAD v4.1: 2 of 1,613,988 alleles (0.00012%); highest among the groups gnomAD compares: Admixed American, 0.0017%; no homozygotes.

Submission:

Labcorp Genetics (formerly Invitae), Labcorp
Classification: Uncertain significance. Last evaluated: 2023-08-17. Review status: criteria provided, single submitter. Criteria: Invitae Variant Classification Sherloc (09022015). Collection method: clinical testing. Allele origin: germline.
Comment: In summary, the available evidence is currently insufficient to determine the role of this variant in disease. Therefore, it has been classified as a Variant of Uncertain Significance. Algorithms developed to predict the effect of missense changes on protein structure and function output the following: SIFT: "Not Available"; PolyPhen-2: "Benign"; Align-GVGD: "Not Available". The serine amino acid residue is found in multiple mammalian species, which suggests that this missense change does not adversely affect protein function. ClinVar contains an entry for this variant (Variation ID: 1921397). This variant has not been reported in the literature in individuals affected with LRP2-related conditions. This variant is present in population databases (no rsID available, gnomAD no frequency). This sequence change replaces asparagine, which is neutral and polar, with serine, which is neutral and polar, at codon 2014 of the LRP2 protein (p.Asn2014Ser).